The following is an entry in ClinVar:

NM_001199138.2(NLRC4):c.1574A>G (p.Lys525Arg)

Gene: NLRC4 (NLR family CARD domain containing 4; minus strand). Cytogenetic location: 2p22.3.
Variant type: single nucleotide variant.
Coding change: c.1574A>G on transcript NM_001199138.2 (MANE Select); coding-DNA position 1574, A replaced by G.
Protein change: p.Lys525Arg; replaces lysine 525 with arginine.
Molecular consequence: missense variant. On other transcripts: intron variant (1).
Genome position (GRCh38, 1-based): chr2:32,250,290, T>C on the plus strand (A>G on the coding strand, the complement: NLRC4 is on the minus strand). VCF-style: chr2-32250290-T-C. GRCh37 (hg19) VCF-style: chr2-32475359-T-C.
Other names: c.1574A>G, p.Lys525Arg (NM_001199139.2, NM_021209.5); c.262+2129A>G (NM_001302504.1); short protein forms K525R.
Identifiers: ClinVar variation 1488206 (VCV001488206.7), dbSNP rs1386496419, ClinGen allele CA346512181.

ClinVar aggregate classification (germline): Uncertain significance. Review status: criteria provided, multiple submitters, no conflicts (2 of 4 stars). 2 submissions from 2 submitters: Uncertain significance (2). Last evaluated 2025-06-29.

Conditions:
Periodic fever-infantile enterocolitis-autoinflammatory syndrome. Also called: Autoinflammation with infantile enterocolitis. Identifiers: Orphanet 436166, MedGen C4015067, MONDO:0014472, OMIM 616050.
Familial cold autoinflammatory syndrome 4 (FCAS4). Identifiers: Orphanet 47045, Orphanet 576349, MedGen C4015276, MONDO:0014498, OMIM 616115.
Inborn genetic diseases. Identifiers: MedGen C0950123, MeSH D030342.

Allele frequency attached by ClinVar (database versions not stated): gnomAD 0.00001; TOPMed below 0.00001; gnomAD exomes 0.00001.
gnomAD v4.1: 9 of 1,614,096 alleles (0.00056%); highest among the groups gnomAD compares: Non-Finnish European, 0.00076%; no homozygotes.

Submissions (2):

Labcorp Genetics (formerly Invitae), Labcorp
Classification: Uncertain significance for Periodic fever-infantile enterocolitis-autoinflammatory syndrome; Familial cold autoinflammatory syndrome 4. Last evaluated: 2025-06-29. Review status: criteria provided, single submitter. Criteria: Invitae Variant Classification Sherloc (09022015). Collection method: clinical testing. Allele origin: germline.
Comment: This sequence change replaces lysine, which is basic and polar, with arginine, which is basic and polar, at codon 525 of the NLRC4 protein (p.Lys525Arg). This variant is not present in population databases (gnomAD no frequency). This variant has not been reported in the literature in individuals affected with NLRC4-related conditions. ClinVar contains an entry for this variant (Variation ID: 1488206). Invitae Evidence Modeling of protein sequence and biophysical properties (such as structural, functional, and spatial information, amino acid conservation, physicochemical variation, residue mobility, and thermodynamic stability) indicates that this missense variant is not expected to disrupt NLRC4 protein function with a negative predictive value of 80%. In summary, the available evidence is currently insufficient to determine the role of this variant in disease. Therefore, it has been classified as a Variant of Uncertain Significance.

Ambry Genetics
Classification: Uncertain significance for Inborn genetic diseases. Last evaluated: 2024-05-30. Review status: criteria provided, single submitter. Criteria: Ambry Variant Classification Scheme 2023. Collection method: clinical testing. Allele origin: germline.